The following is an entry in ClinVar:

NM_001605.3(AARS1):c.2425C>T (p.Gln809Ter)

Gene: AARS1 (alanyl-tRNA synthetase 1; minus strand). Cytogenetic location: 16q22.1.
Variant type: single nucleotide variant.
Coding change: c.2425C>T on transcript NM_001605.3 (MANE Select); coding-DNA position 2425, C replaced by T.
Protein change: p.Gln809Ter; replaces glutamine 809 with a stop codon.
Molecular consequence: nonsense.
Genome position (GRCh38, 1-based): chr16:70,254,014, G>A on the plus strand (C>T on the coding strand, the complement: AARS1 is on the minus strand). VCF-style: chr16-70254014-G-A. GRCh37 (hg19) VCF-style: chr16-70287917-G-A.
Other names: short protein forms Q809*.
Identifiers: ClinVar variation 3690820 (VCV003690820.2).

ClinVar aggregate classification (germline): Pathogenic (1 of 4 stars; one submission).

Conditions:
Charcot-Marie-Tooth disease type 2. Also called: Charcot-Marie-Tooth type 2. Identifiers: Orphanet 64746, MedGen C0270914, MONDO:0018993.

Submission:

Labcorp Genetics (formerly Invitae), Labcorp
Classification: Pathogenic for Charcot-Marie-Tooth disease type 2. Last evaluated: 2024-07-26. Review status: criteria provided, single submitter. Criteria: Invitae Variant Classification Sherloc (09022015). Collection method: clinical testing. Allele origin: germline.
Comment: This sequence change creates a premature translational stop signal (p.Gln809*) in the AARS gene. It is expected to result in an absent or disrupted protein product. Loss-of-function variants in AARS are known to be pathogenic (PMID: 25817015, 28493438, 34446925). This variant is present in population databases (rs779777115, gnomAD 0.004%). This variant has not been reported in the literature in individuals affected with AARS-related conditions. For these reasons, this variant has been classified as Pathogenic.

Literature cited by the submitters: PubMed 25817015; PubMed 28493438; PubMed 34446925.